The following is an entry in ClinVar:

NM_001136191.3(KANK2):c.10G>A (p.Val4Ile)

Gene: KANK2 (KN motif and ankyrin repeat domains 2; minus strand). Cytogenetic location: 19p13.2.
Variant type: single nucleotide variant.
Coding change: c.10G>A on transcript NM_001136191.3 (MANE Select); coding-DNA position 10, G replaced by A.
Protein change: p.Val4Ile; replaces valine 4 with isoleucine.
Molecular consequence: missense variant.
Genome position (GRCh38, 1-based): chr19:11,194,502, C>T on the plus strand (G>A on the coding strand, the complement: KANK2 is on the minus strand). VCF-style: chr19-11194502-C-T. GRCh37 (hg19) VCF-style: chr19-11305178-C-T.
Other names: c.10G>A (NM_015493.6); c.10G>A, p.Val4Ile (NM_001329451.2, NM_001379548.1, NM_001379549.1 and 15 more transcripts); short protein forms V4I.
Identifiers: ClinVar variation 774524 (VCV000774524.20), dbSNP rs139512726, ClinGen allele CA9206190.
Genomic context (GRCh38, chr19:11,194,502, plus strand): 5'-CGGGGCAGGGCCCTCTTCCCTGAGTCCCCTGACCTGGGAAGGGAGCAGGCACGTGCAGGA[C>T]CTGGGCCATCTTCTTTTCTACAGATGCTCCTTGGAAGTCACTTGAGGGACTGCGAGTCAG-3'
Protein context (NP_001129663.1, residues 1-14): MAQ[Val4Ile]LHVPAPFPGT

ClinVar aggregate classification (germline): Likely benign. Review status: criteria provided, multiple submitters, no conflicts (2 of 4 stars). 8 submissions from 8 submitters: Likely benign (5). 3 of the submissions do not count toward it. Last evaluated 2026-01-19.

Conditions:
KANK2-related disorder. Also called: KANK2-related condition.
Nephrotic syndrome 16. Identifiers: MedGen C4540453, MONDO:0033280, OMIM 617783.
Wooly hair-palmoplantar keratoderma syndrome. Also called: Palmoplantar keratoderma and woolly hair; Woolly hair-palmoplantar keratoderma syndrome. Identifiers: Orphanet 420686, MedGen C4015202, MONDO:0014492, OMIM 616099.

Allele frequency attached by ClinVar (database versions not stated): 1000 Genomes Project 30x 0.00094; 1000 Genomes Project 0.00100; ExAC 0.00306; gnomAD exomes 0.00308 and 0.00498; gnomAD 0.00309 and 0.00321; TOPMed 0.00343; ESP Exome Variant Server 0.00454.
gnomAD v4.1: 7,755 of 1,612,722 alleles (0.48%); highest among the groups gnomAD compares: Non-Finnish European, 0.59%; 14 homozygotes.

Submissions (8):

Labcorp Genetics (formerly Invitae), Labcorp
Classification: Likely benign. Last evaluated: 2026-01-19. Review status: criteria provided, single submitter. Criteria: Invitae Variant Classification Sherloc (09022015). Collection method: clinical testing. Allele origin: germline.

Blueprint Genetics
Classification: Likely benign. Last evaluated: 2024-11-23. Review status: criteria provided, single submitter. Criteria: ACMG Guidelines, 2015. Collection method: clinical testing. Allele origin: germline.

Fulgent Genetics
Classification: Likely benign for Wooly hair-palmoplantar keratoderma syndrome; Nephrotic syndrome 16. Last evaluated: 2021-09-21. Review status: criteria provided, single submitter. Criteria: ACMG Guidelines, 2015. Collection method: clinical testing. Allele origin: unknown.

GeneDx
Classification: Likely benign. Last evaluated: 2020-10-05. Review status: criteria provided, single submitter. Criteria: GeneDx Variant Classification Process June 2021. Collection method: clinical testing. Allele origin: germline. Affected: yes.

Breakthrough Genomics
Classification: Likely benign. Review status: criteria provided, single submitter. Criteria: ACMG Guidelines, 2015. Collection method: not provided. Allele origin: germline. Inheritance: Autosomal recessive inheritance. Affected: yes.

PreventionGenetics, part of Exact Sciences
Classification: Likely benign for KANK2-related condition. Last evaluated: 2019-09-19. Review status: no assertion criteria provided. Collection method: clinical testing. Allele origin: germline. Not counted in ClinVar's aggregate classification.
Comment: This variant is classified as likely benign based on ACMG/AMP sequence variant interpretation guidelines (Richards et al. 2015 PMID: 25741868, with internal and published modifications).

Diagnostic Laboratory, Department of Genetics, University Medical Center Groningen
Classification: Likely benign. Review status: no assertion criteria provided. Collection method: clinical testing. Allele origin: germline. Affected: yes. Study: VKGL Data-share Consensus. Not counted in ClinVar's aggregate classification.

Genome Diagnostics Laboratory, University Medical Center Utrecht
Classification: Likely benign. Review status: no assertion criteria provided. Collection method: clinical testing. Allele origin: germline. Affected: yes. Study: VKGL Data-share Consensus. Not counted in ClinVar's aggregate classification.